The following is an entry in ClinVar:

NM_001848.3(COL6A1):c.1524+15G>A

Gene: COL6A1 (collagen type VI alpha 1 chain; plus strand). Cytogenetic location: 21q22.3.
Variant type: single nucleotide variant.
Coding change: c.1524+15G>A on transcript NM_001848.3 (MANE Select); 15 bases into the intron after coding-DNA position 1524, G replaced by A.
Molecular consequence: intron variant.
Genome position (GRCh38, 1-based): chr21:45,997,777, G>A. VCF-style: chr21-45997777-G-A. GRCh37 (hg19) VCF-style: chr21-47417691-G-A.
Identifiers: ClinVar variation 93820 (VCV000093820.17), dbSNP rs116000285, ClinGen allele CA147333.

ClinVar aggregate classification (germline): Benign/Likely benign. Review status: criteria provided, multiple submitters, no conflicts (2 of 4 stars). 5 submissions from 5 submitters: Benign (3); Likely benign (2). Last evaluated 2026-01-28.

Conditions:
Collagen 6-related myopathy. Identifiers: MedGen CN117976, MONDO:0100225.
Bethlem myopathy 1A. Also called: Bethlem myopathy 1; Bethlem Muscular Dystrophy; MYOPATHY, BENIGN CONGENITAL, WITH CONTRACTURES. Identifiers: Orphanet 610, MedGen CN029274, MONDO:0024530, OMIM 158810.

Allele frequency attached by ClinVar (database versions not stated): gnomAD exomes 0.00299 and 0.00497; 1000 Genomes Project 0.01278; gnomAD 0.01467 and 0.01582; 1000 Genomes Project 30x 0.01405; ESP Exome Variant Server 0.01599; ExAC 0.00921; TOPMed 0.01529.
gnomAD v4.1: 6,597 of 1,577,874 alleles (0.42%); highest among the groups gnomAD compares: African/African-American, 4.5%; 93 homozygotes.

Submissions (5):

Labcorp Genetics (formerly Invitae), Labcorp
Classification: Benign for Bethlem myopathy 1A. Last evaluated: 2026-01-28. Review status: criteria provided, single submitter. Criteria: Invitae Variant Classification Sherloc (09022015). Collection method: clinical testing. Allele origin: germline.

Illumina Laboratory Services, Illumina
Classification: Likely benign for Collagen VI-related myopathy. Last evaluated: 2017-04-27. Review status: criteria provided, single submitter. Criteria: ICSL Variant Classification Criteria 13 December 2019. Collection method: clinical testing. Allele origin: germline.
Comment: This variant was observed as part of a predisposition screen in an ostensibly healthy population. A literature search was performed for the gene, cDNA change, and amino acid change (where applicable). No publications were found based on this search. Allele frequency data from public databases allowed determination this variant is unlikely to cause disease. Therefore, this variant is classified as likely benign.

GeneDx
Classification: Benign. Last evaluated: 2016-08-02. Review status: criteria provided, single submitter. Criteria: GeneDx Variant Classification (06012015). Collection method: clinical testing. Allele origin: germline. Affected: yes.
Comment: This variant is considered likely benign or benign based on one or more of the following criteria: it is a conservative change, it occurs at a poorly conserved position in the protein, it is predicted to be benign by multiple in silico algorithms, and/or has population frequency not consistent with disease.

Eurofins Ntd Llc (ga)
Classification: Benign. Last evaluated: 2012-08-24. Review status: criteria provided, single submitter. Criteria: EGL Classification Definitions 2015. Collection method: clinical testing. Allele origin: germline. Observed: 1 variant allele, 1 heterozygote.

Breakthrough Genomics
Classification: Likely benign. Review status: criteria provided, single submitter. Criteria: ACMG Guidelines, 2015. Collection method: not provided. Allele origin: germline. Inheritance: Autosomal recessive inheritance. Affected: yes.